The following is an entry in ClinVar:

NM_020975.6(RET):c.311G>T (p.Ser104Ile)

Gene: RET (ret proto-oncogene; plus strand). Cytogenetic location: 10q11.21.
Variant type: single nucleotide variant.
Coding change: c.311G>T on transcript NM_020975.6 (MANE Select); coding-DNA position 311, G replaced by T.
Protein change: p.Ser104Ile; replaces serine 104 with isoleucine.
Molecular consequence: missense variant. On other transcripts: intron variant (4).
Genome position (GRCh38, 1-based): chr10:43,100,696, G>T. VCF-style: chr10-43100696-G-T. GRCh37 (hg19) VCF-style: chr10-43596144-G-T.
Other names: c.311G>T, p.Ser104Ile (NM_001406743.1, NM_001406744.1, NM_001406759.1 and 32 more transcripts); c.74-8335G>T (NM_001406784.1); c.74-11403G>T (NM_001406794.1, NM_001406792.1, NM_001406793.1); short protein forms S104I.
Identifiers: ClinVar variation 3666254 (VCV003666254.2).
Genomic context (GRCh38, chr10:43,100,696, plus strand): 5'-ACTGGATCTGCATCCAGGAGGACACCGGCCTCCTCTACCTTAACCGGAGCCTGGACCATA[G>T]CTCCTGGGAGAAGCTCAGTGTCCGCAGTAAGGGAGCCGCCCCAACACCCACCCCGTGCCC-3'
Protein context (NP_066124.1, residues 94-114): LLYLNRSLDH[Ser104Ile]SWEKLSVRNR

ClinVar aggregate classification (germline): Uncertain significance (1 of 4 stars; one submission).

Conditions:
Multiple endocrine neoplasia, type 2 (MEN2). Identifiers: Orphanet 653, MedGen C4048306, MONDO:0019003. Disease mechanism: gain of function.

Submission:

Labcorp Genetics (formerly Invitae), Labcorp
Classification: Uncertain significance for Multiple endocrine neoplasia, type 2. Last evaluated: 2025-01-26. Review status: criteria provided, single submitter. Criteria: Invitae Variant Classification Sherloc (09022015). Collection method: clinical testing. Allele origin: germline.
Comment: This sequence change replaces serine, which is neutral and polar, with isoleucine, which is neutral and non-polar, at codon 104 of the RET protein (p.Ser104Ile). This variant is not present in population databases (gnomAD no frequency). This variant has not been reported in the literature in individuals affected with RET-related conditions. An algorithm developed to predict the effect of missense changes on protein structure and function (PolyPhen-2) suggests that this variant is likely to be tolerated. In summary, the available evidence is currently insufficient to determine the role of this variant in disease. Therefore, it has been classified as a Variant of Uncertain Significance.